The following is an entry in ClinVar:

NM_004239.4(TRIP11):c.5486C>T (p.Thr1829Ile)

Gene: TRIP11 (thyroid hormone receptor interactor 11; minus strand). Cytogenetic location: 14q32.12.
Variant type: single nucleotide variant.
Coding change: c.5486C>T on transcript NM_004239.4 (MANE Select); coding-DNA position 5486, C replaced by T.
Protein change: p.Thr1829Ile; replaces threonine 1829 with isoleucine.
Molecular consequence: missense variant.
Genome position (GRCh38, 1-based): chr14:91,974,715, G>A on the plus strand (C>T on the coding strand, the complement: TRIP11 is on the minus strand). VCF-style: chr14-91974715-G-A. GRCh37 (hg19) VCF-style: chr14-92441059-G-A.
Other names: c.5483C>T, p.Thr1828Ile (NM_001321851.1); short protein forms T1828I, T1829I.
Identifiers: ClinVar variation 1500386 (VCV001500386.6), dbSNP rs1256584749, ClinGen allele CA390644349.

ClinVar aggregate classification (germline): Uncertain significance (1 of 4 stars; one submission).

Conditions:
Achondrogenesis, type IA (ACG1A). Identifiers: Orphanet 932, Orphanet 93299, MedGen C0265273, MONDO:0008701, OMIM 200600.

Allele frequency attached by ClinVar (database versions not stated): gnomAD exomes below 0.00001; gnomAD 0.00001.
gnomAD v4.1: 2 of 1,612,460 alleles (0.00012%); highest among the groups gnomAD compares: Admixed American, 0.0017%; no homozygotes.

Submission:

Labcorp Genetics (formerly Invitae), Labcorp
Classification: Uncertain significance for Achondrogenesis, type IA. Last evaluated: 2025-02-03. Review status: criteria provided, single submitter. Criteria: Invitae Variant Classification Sherloc (09022015). Collection method: clinical testing. Allele origin: germline.
Comment: This sequence change replaces threonine with isoleucine at codon 1829 of the TRIP11 protein (p.Thr1829Ile). The threonine residue is moderately conserved and there is a moderate physicochemical difference between threonine and isoleucine. The frequency data for this variant in the population databases is considered unreliable, as metrics indicate poor data quality at this position in the gnomAD database. This variant has not been reported in the literature in individuals affected with TRIP11-related conditions. ClinVar contains an entry for this variant (Variation ID: 1500386). Invitae Evidence Modeling of protein sequence and biophysical properties (such as structural, functional, and spatial information, amino acid conservation, physicochemical variation, residue mobility, and thermodynamic stability) indicates that this missense variant is not expected to disrupt TRIP11 protein function with a negative predictive value of 80%. In summary, the available evidence is currently insufficient to determine the role of this variant in disease. Therefore, it has been classified as a Variant of Uncertain Significance.